The following is an entry in ClinVar:

NM_000352.6(ABCC8):c.3976G>T (p.Glu1326Ter)

Gene: ABCC8 (ATP binding cassette subfamily C member 8; minus strand). Cytogenetic location: 11p15.1.
Variant type: single nucleotide variant.
Coding change: c.3976G>T on transcript NM_000352.6 (MANE Select); coding-DNA position 3976, G replaced by T.
Protein change: p.Glu1326Ter; replaces glutamic acid 1326 with a stop codon.
Molecular consequence: nonsense. On other transcripts: non-coding transcript variant (1).
Genome position (GRCh38, 1-based): chr11:17,397,205, C>A on the plus strand (G>T on the coding strand, the complement: ABCC8 is on the minus strand). VCF-style: chr11-17397205-C-A. GRCh37 (hg19) VCF-style: chr11-17418752-C-A.
Other names: c.3979G>T, p.Glu1327Ter (NM_001287174.3); c.4042G>T, p.Glu1348Ter (NM_001351295.2); c.3976G>T, p.Glu1326Ter (NM_001351296.2); c.3973G>T, p.Glu1325Ter (NM_001351297.2); short protein forms E1325*, E1326*, E1348*, E1327*.
Identifiers: ClinVar variation 4710760 (VCV004710760.1).
Genomic context (GRCh38, chr11:17,397,205, plus strand): 5'-CACACTCCTCCTTGGACTCTTCCCCACCCCTCTCCCTGAGCCTCTCACCCAGGAGCCCCT[C>A]GTAGCTCTCTGCCTCGGTTTTCAGGAGCCCATGGATGCGCTTCACAGCCCCCAGCTGGAG-3'

ClinVar aggregate classification (germline): Pathogenic (1 of 4 stars; one submission).

Submission:

Labcorp Genetics (formerly Invitae), Labcorp
Classification: Pathogenic. Last evaluated: 2025-12-19. Review status: criteria provided, single submitter. Criteria: Invitae Variant Classification Sherloc (09022015). Collection method: clinical testing. Allele origin: germline.
Comment: This sequence change creates a premature translational stop signal (p.Glu1326*) in the ABCC8 gene. It is expected to result in an absent or disrupted protein product. Loss-of-function variants in ABCC8 are known to be pathogenic (PMID: 20685672, 23345197). This variant is not present in population databases (gnomAD no frequency). This premature translational stop signal has been observed in individual(s) with autosomal recessive ABCC8-related conditions (PMID: 32027066). This variant is also known as c.3979G>T (p.Glu1327Ter). For these reasons, this variant has been classified as Pathogenic.

Literature cited by the submitters: PubMed 20685672; PubMed 23345197; PubMed 32027066.